The following is an entry in ClinVar:

NM_007294.4(BRCA1):c.5197_5199del (p.Asp1733del)

Gene: BRCA1 (BRCA1 DNA repair associated; minus strand). Cytogenetic location: 17q21.31.
Variant type: Deletion.
Coding change: c.5197_5199del on transcript NM_007294.4 (MANE Select); coding-DNA positions 5197 to 5199, 3 bases deleted (GAT; older notation c.5197_5199delGAT).
Protein change: p.Asp1733del; deletes aspartic acid 1733.
Molecular consequence: inframe deletion. On other transcripts: inframe indel (366), non-coding transcript variant (1).
Genome position (GRCh38, 1-based): chr17:43,057,130-43,057,132, ATC deleted on the plus strand (GAT on the coding strand, the reverse complement: BRCA1 is on the minus strand); deleting any 3 consecutive bases within chr17:43,057,130-43,057,134 gives the same sequence; the c. name uses the placement nearest the transcript's 3' end. VCF-style (leftmost placement, unchanged base first): chr17-43057129-AATC-A. GRCh37 (hg19) VCF-style: chr17-41209146-AATC-A.
Other names: c.5048_5050delATG, p.Asp1684del (NM_001407852.1, NM_001407853.1, NM_001407838.1 and 12 more transcripts); c.5195_5197delATG, p.Asp1733del (NM_001407854.1, NM_001407593.1, NM_001407594.1 and 7 more transcripts); c.5192_5194delATG, p.Asp1732del (NM_001407858.1, NM_001407859.1, NM_001407860.1 and 17 more transcripts); c.5189_5191delATG, p.Asp1731del (NM_001407861.1, NM_001407627.1, NM_001407628.1 and 14 more transcripts); c.4994_4996delATG, p.Asp1666del (NM_001407862.1); c.4991_4993delATG, p.Asp1665del (NM_001407863.1); c.4988_4990delATG, p.Asp1664del (NM_001407874.1, NM_001407875.1); c.4985_4987delATG, p.Asp1663del (NM_001407879.1, NM_001407881.1, NM_001407882.1 and 5 more transcripts); and 76 more; short protein forms D1754del, D629del, D1733del, D1686del, D1437del, D1564del, D1579del, D1643del.
Identifiers: ClinVar variation 825530 (VCV000825530.5), dbSNP rs1597811041, ClinGen allele CA915950059.
Genomic context (GRCh38, chr17:43,057,129, plus strand): 5'-CTCTTGCTCGCTTTGGACCTTGGTGGTTTCTTCCATTGACCACATCTCCTCTGACTTCAA[AATC>A]ATGCTGAAAGAAACCAAACACAACCCATCAGGATAAGAGAAAGAGAAGCTTCCTTCAATG-3'

ClinVar aggregate classification (germline): Uncertain significance (1 of 4 stars; one submission).

Conditions:
Hereditary cancer-predisposing syndrome. Also called: Neoplastic Syndromes, Hereditary; Tumor predisposition; Hereditary neoplastic syndrome; Hereditary Cancer Syndrome. Identifiers: Orphanet 140162, MedGen C0027672, MeSH D009386, MONDO:0015356.

Submission:

Ambry Genetics
Classification: Uncertain significance for Hereditary cancer-predisposing syndrome. Last evaluated: 2019-09-25. Review status: criteria provided, single submitter. Criteria: Ambry Variant Classification Scheme 2023. Collection method: clinical testing. Allele origin: germline.
Comment: The c.5197_5199delGAT variant (also known as p.D1733del) is located in coding exon 18 of the BRCA1 gene. This variant results from an in-frame GAT deletion at nucleotide positions 5197 to 5199. This results in the in-frame deletion of an aspartic acid at codon 1733. This amino acid position is not well conserved in available vertebrate species. Since supporting evidence is limited at this time, the clinical significance of this alteration remains unclear.